The following is an entry in ClinVar:

ClinVar aggregate classification (germline): Likely benign (1 of 4 stars; one submission).

Conditions:
Immunodeficiency 67. Also called: Immunodeficiency due to interleukin-1 receptor-associated kinase-4 deficiency. Identifiers: Orphanet 70592, MedGen C1843256, MONDO:0011888, OMIM 607676.

Allele frequency attached by ClinVar (database versions not stated): gnomAD exomes 0.00023; gnomAD 0.00195 and 0.00211; TOPMed 0.00200; 1000 Genomes Project 0.00240; 1000 Genomes Project 30x 0.00281.

Submission:

Illumina Laboratory Services, Illumina
Classification: Likely benign for Immunodeficiency 67. Last evaluated: 2018-01-12. Review status: criteria provided, single submitter. Criteria: ICSL Variant Classification Criteria 13 December 2019. Collection method: clinical testing. Allele origin: germline.
Comment: This variant was observed in the ICSL laboratory as part of a predisposition screen in an ostensibly healthy population. It had not been previously curated by ICSL or reported in the Human Gene Mutation Database (HGMD: prior to June 1st, 2018), and was therefore a candidate for classification through an automated scoring system. Utilizing variant allele frequency, disease prevalence and penetrance estimates, and inheritance mode, an automated score was calculated to assess if this variant is too frequent to cause the disease. Based on the score and internal cut-off values, a variant classified as likely benign is not then subjected to further curation. The score for this variant resulted in a classification of likely benign for this disease.

NM_016123.4(IRAK4):c.*281A>G

Gene: IRAK4 (interleukin 1 receptor associated kinase 4; plus strand). Cytogenetic location: 12q12.
Variant type: single nucleotide variant.
Coding change: c.*281A>G on transcript NM_016123.4 (MANE Select); 281 bases downstream of the stop codon, A replaced by G.
Molecular consequence: 3 prime UTR variant.
Genome position (GRCh38, 1-based): chr12:43,786,996, A>G. VCF-style: chr12-43786996-A-G. GRCh37 (hg19) VCF-style: chr12-44180799-A-G.
Other names: c.*281A>G (NM_001114182.3, NM_001145256.2, NM_001145257.2 and 9 more transcripts).
Identifiers: ClinVar variation 308737 (VCV000308737.5), dbSNP rs4251548, ClinGen allele CA10641237.